The following is an entry in ClinVar:

NM_182961.4(SYNE1):c.12541A>C (p.Lys4181Gln)

Gene: SYNE1 (spectrin repeat containing nuclear envelope protein 1; minus strand). Cytogenetic location: 6q25.2.
Variant type: single nucleotide variant.
Coding change: c.12541A>C on transcript NM_182961.4 (MANE Select); coding-DNA position 12541, A replaced by C.
Protein change: p.Lys4181Gln; replaces lysine 4181 with glutamine.
Molecular consequence: missense variant.
Genome position (GRCh38, 1-based): chr6:152,334,261, T>G on the plus strand (A>C on the coding strand, the complement: SYNE1 is on the minus strand). VCF-style: chr6-152334261-T-G. GRCh37 (hg19) VCF-style: chr6-152655396-T-G.
Other names: c.12328A>C, p.Lys4110Gln (NM_033071.5); short protein forms K4110Q, K4181Q.
Identifiers: ClinVar variation 1388863 (VCV001388863.6), dbSNP rs2096324088, ClinGen allele CA366106746.

ClinVar aggregate classification (germline): Uncertain significance (1 of 4 stars; one submission).

Conditions:
Emery-Dreifuss muscular dystrophy 4, autosomal dominant (EDMD4). Also called: EMERY-DREIFUSS MUSCULAR DYSTROPHY 4 WITH VARIABLE FEATURES. Identifiers: Orphanet 261, MedGen C2751807, MONDO:0013071, OMIM 612998.
Autosomal recessive ataxia, Beauce type. Also called: SYNE1-Related Autosomal Recessive Cerebellar Ataxia; Spinocerebellar ataxia, autosomal recessive 8; ATAXIA, RECESSIVE, OF BEAUCE; SYNE1 Deficiency. Identifiers: Orphanet 88644, MedGen C1853116, MONDO:0012549, OMIM 610743.

Allele frequency attached by ClinVar (database versions not stated): gnomAD 0.00001.
gnomAD v4.1: 1 of 1,613,676 alleles (0.000062%); highest among the groups gnomAD compares: African/African-American, 0.0013%; no homozygotes.

Submission:

Labcorp Genetics (formerly Invitae), Labcorp
Classification: Uncertain significance for Emery-Dreifuss muscular dystrophy 4, autosomal dominant; Autosomal recessive ataxia, Beauce type. Last evaluated: 2022-02-24. Review status: criteria provided, single submitter. Criteria: Invitae Variant Classification Sherloc (09022015). Collection method: clinical testing. Allele origin: germline.
Comment: This variant has not been reported in the literature in individuals affected with SYNE1-related conditions. In summary, the available evidence is currently insufficient to determine the role of this variant in disease. Therefore, it has been classified as a Variant of Uncertain Significance. Algorithms developed to predict the effect of missense changes on protein structure and function output the following: SIFT: "Tolerated"; PolyPhen-2: "Benign"; Align-GVGD: "Class C0". The glutamine amino acid residue is found in multiple mammalian species, which suggests that this missense change does not adversely affect protein function. This variant is not present in population databases (gnomAD no frequency). This sequence change replaces lysine, which is basic and polar, with glutamine, which is neutral and polar, at codon 4110 of the SYNE1 protein (p.Lys4110Gln).